The following is an entry in ClinVar:

NM_173551.5(ANKS6):c.1942C>T (p.Arg648Trp)

Genes: ANKS6 (ankyrin repeat and sterile alpha motif domain containing 6; minus strand), LOC124310614 (Sharpr-MPRA regulatory region 9654; plus strand). Cytogenetic location: 9q22.33.
Variant type: single nucleotide variant.
Coding change: c.1942C>T on transcript NM_173551.5 (MANE Select); coding-DNA position 1942, C replaced by T.
Protein change: p.Arg648Trp; replaces arginine 648 with tryptophan.
Molecular consequence: missense variant.
Genome position (GRCh38, 1-based): chr9:98,770,926, G>A on the plus strand (C>T on the coding strand, the complement: ANKS6 is on the minus strand). VCF-style: chr9-98770926-G-A. GRCh37 (hg19) VCF-style: chr9-101533208-G-A.
Other names: c.1942C>T (NM_173551.3); short protein forms R648W.
Identifiers: ClinVar variation 1011328 (VCV001011328.11), dbSNP rs774030867, ClinGen allele CA5153314.
Genomic context (GRCh38, chr9:98,770,926, plus strand): 5'-CTCCCTGAGTGGCCCTGCCCAGCTACTCACCTGAGCGGTTAAGCAGCTCCCCACCGTGCC[G>A]GCTCACACCTACCCCACTGGAGCCGCCCGATGAATGAGGCGAGTGGTTGAAGTTTCCAGA-3'
Protein context (NP_775822.3, residues 638-658): SGGSSGVGVS[Arg648Trp]HGGELLNRSG

ClinVar aggregate classification (germline): Uncertain significance. Review status: criteria provided, multiple submitters, no conflicts (2 of 4 stars). 3 submissions from 3 submitters: Uncertain significance (3). Last evaluated 2024-05-16.

Conditions:
Inborn genetic diseases. Identifiers: MedGen C0950123, MeSH D030342.
Nephronophthisis 16 (NPHP16). Identifiers: Orphanet 655, MedGen C3809320, MONDO:0014158, OMIM 615382.

Allele frequency attached by ClinVar (database versions not stated): gnomAD 0.00002; TOPMed 0.00002; ExAC 0.00003; gnomAD exomes 0.00004 and 0.00005.
gnomAD v4.1: 59 of 1,563,230 alleles (0.0038%); highest among the groups gnomAD compares: South Asian, 0.0072%; no homozygotes.

Submissions (3):

Fulgent Genetics
Classification: Uncertain significance for Nephronophthisis 16. Last evaluated: 2024-05-16. Review status: criteria provided, single submitter. Criteria: ACMG Guidelines, 2015. Collection method: clinical testing. Allele origin: germline.

Ambry Genetics
Classification: Uncertain significance for Inborn genetic diseases. Last evaluated: 2024-04-09. Review status: criteria provided, single submitter. Criteria: Ambry Variant Classification Scheme 2023. Collection method: clinical testing. Allele origin: germline.

Labcorp Genetics (formerly Invitae), Labcorp
Classification: Uncertain significance for Nephronophthisis 16. Last evaluated: 2020-07-19. Review status: criteria provided, single submitter. Criteria: Invitae Variant Classification Sherloc (09022015). Collection method: clinical testing. Allele origin: germline.
Comment: Algorithms developed to predict the effect of missense changes on protein structure and function (SIFT, PolyPhen-2, Align-GVGD) all suggest that this variant is likely to be disruptive, but these predictions have not been confirmed by published functional studies and their clinical significance is uncertain. In summary, the available evidence is currently insufficient to determine the role of this variant in disease. Therefore, it has been classified as a Variant of Uncertain Significance. This variant has not been reported in the literature in individuals with ANKS6-related conditions. This sequence change replaces arginine with tryptophan at codon 648 of the ANKS6 protein (p.Arg648Trp). The arginine residue is highly conserved and there is a moderate physicochemical difference between arginine and tryptophan. This variant is present in population databases (rs774030867, ExAC 0.01%).